The following is an entry in ClinVar:

ClinVar aggregate classification (germline): Likely pathogenic (1 of 4 stars; one submission).

Conditions:
Spastic paraplegia 80, autosomal dominant. Identifiers: Orphanet 631068, MedGen C5193084, MONDO:0032737, OMIM 618418.

Submission:

Concord Molecular Medicine Laboratory, Concord Repatriation General Hospital
Classification: Likely pathogenic for Spastic paraplegia 80, autosomal dominant. Last evaluated: 2024-10-09. Review status: criteria provided, single submitter. Criteria: ACMG Guidelines, 2015. Collection method: clinical testing. Allele origin: inherited. Inheritance: Autosomal dominant inheritance. Affected: yes. Observed: 2 variant alleles, 2 heterozygotes.
Comment: This nonsense variant is observed in two affected individuals in a family. The variant is absent from control population database (gnomAD v4.1.0). This variant introduces a premature stop codon in the penultimate exon (>55bp from the exon-intron junction), and the transcript is predicted to be subjected to nonsense mediated decay. Loss of function is an established disease mechanism for SPG80.

NM_016525.5(UBAP1):c.487G>T (p.Glu163Ter)

Gene: UBAP1 (ubiquitin associated protein 1; plus strand). Cytogenetic location: 9p13.3.
Variant type: single nucleotide variant.
Coding change: c.487G>T on transcript NM_016525.5 (MANE Select); coding-DNA position 487, G replaced by T.
Protein change: p.Glu163Ter; replaces glutamic acid 163 with a stop codon.
Molecular consequence: nonsense. On other transcripts: non-coding transcript variant (1).
Genome position (GRCh38, 1-based): chr9:34,241,512, G>T. VCF-style: chr9-34241512-G-T. GRCh37 (hg19) VCF-style: chr9-34241510-G-T.
Other names: c.679G>T, p.Glu227Ter (NM_001171201.1); c.595G>T, p.Glu199Ter (NM_001171202.1); c.487G>T, p.Glu163Ter (NM_001171203.3, NM_001171204.3); short protein forms E163*, E199*, E227*.
Identifiers: ClinVar variation 3362862 (VCV003362862.1).
Genomic context (GRCh38, chr9:34,241,512, plus strand): 5'-AAAGTTCTCAGCCCACCTCACATAAAGGCGGATTTCAATCTTGCTGACTTTGAGTGTGAA[G>T]AAGACCCATTTGATAATCTGGAGTTAAAAACTATTGATGAGAAGGAAGAGCTGAGAAATA-3'